The following is an entry in ClinVar:

NM_020800.3(IFT80):c.135T>G (p.Ser45Arg)

Genes: IFT80 (intraflagellar transport 80; minus strand), TRIM59-IFT80 (TRIM59-IFT80 readthrough (NMD candidate); minus strand). Cytogenetic location: 3q25.33.
Variant type: single nucleotide variant.
Coding change: c.135T>G on transcript NM_020800.3 (MANE Select); coding-DNA position 135, T replaced by G.
Protein change: p.Ser45Arg; replaces serine 45 with arginine.
Molecular consequence: missense variant. On other transcripts: non-coding transcript variant (2), 5 prime UTR variant (2).
Genome position (GRCh38, 1-based): chr3:160,381,627, A>C on the plus strand (T>G on the coding strand, the complement: IFT80 is on the minus strand). VCF-style: chr3-160381627-A-C. GRCh37 (hg19) VCF-style: chr3-160099415-A-C.
Other names: c.-277T>G (NM_001190241.2, NM_001190242.2); short protein forms S45R.
Identifiers: ClinVar variation 1413580 (VCV001413580.6), dbSNP rs762238566, ClinGen allele CA355194996.

ClinVar aggregate classification (germline): Uncertain significance. Review status: criteria provided, multiple submitters, no conflicts (2 of 4 stars). 2 submissions from 2 submitters: Uncertain significance (2). Last evaluated 2024-03-20.

Conditions:
Asphyxiating thoracic dystrophy 2 (SRTD2). Also called: SHORT-RIB THORACIC DYSPLASIA 2 WITH OR WITHOUT POLYDACTYLY; SHORT-RIB THORACIC DYSPLASIA 2 WITH POLYDACTYLY; SHORT-RIB THORACIC DYSPLASIA 2 WITHOUT POLYDACTYLY. Identifiers: Orphanet 474, MedGen C1970005, MONDO:0012644, OMIM 611263.
Jeune thoracic dystrophy. Also called: Short-rib thoracic dysplasia; Jeune syndrome; Infantile thoracic dystrophy; Thoracic pelvic phalangeal dystrophy; Jeune's syndrome; Chondroectodermal dysplasia-like syndrome. Identifiers: Orphanet 474, MedGen C0265275, MONDO:0018770.

gnomAD v4.1: 11 of 1,612,760 alleles (0.00068%); highest among the groups gnomAD compares: Non-Finnish European, 0.00093%; no homozygotes.

Submissions (2):

Fulgent Genetics
Classification: Uncertain significance for Asphyxiating thoracic dystrophy 2. Last evaluated: 2024-03-20. Review status: criteria provided, single submitter. Criteria: ACMG Guidelines, 2015. Collection method: clinical testing. Allele origin: germline.

Labcorp Genetics (formerly Invitae), Labcorp
Classification: Uncertain significance for Jeune thoracic dystrophy. Last evaluated: 2021-08-27. Review status: criteria provided, single submitter. Criteria: Invitae Variant Classification Sherloc (09022015). Collection method: clinical testing. Allele origin: germline.
Comment: This sequence change replaces serine with arginine at codon 45 of the IFT80 protein (p.Ser45Arg). The serine residue is moderately conserved and there is a moderate physicochemical difference between serine and arginine. This variant is not present in population databases (ExAC no frequency). This variant has not been reported in the literature in individuals affected with IFT80-related conditions. Algorithms developed to predict the effect of missense changes on protein structure and function (SIFT, PolyPhen-2, Align-GVGD) all suggest that this variant is likely to be tolerated. In summary, the available evidence is currently insufficient to determine the role of this variant in disease. Therefore, it has been classified as a Variant of Uncertain Significance.